The following is an entry in ClinVar:

ClinVar aggregate classification (germline): Benign. Review status: reviewed by expert panel (3 of 4 stars). 4 submissions from 4 submitters: Benign (1). 3 of the submissions do not count toward it. Last evaluated 2026-03-24.

Conditions:
Genetic developmental and epileptic encephalopathy. Identifiers: MedGen CN379639, MONDO:0100062.
Epilepsy, familial focal, with variable foci 4 (FFEVF4). Identifiers: MedGen C4693694, MONDO:0054776, OMIM 617935.

Allele frequency attached by ClinVar (database versions not stated): ExAC 0.00002; gnomAD 0.00005 and 0.00006; gnomAD exomes 0.00001; TOPMed 0.00005.
gnomAD v4.1: 13 of 1,607,534 alleles (0.00081%); highest among the groups gnomAD compares: African/African-American, 0.017%; no homozygotes.

Submissions (4):

ClinGen Epilepsy Sodium Channel Variant Curation Expert Panel, Clingen
Classification: Benign for Genetic developmental and epileptic encephalopathy. Last evaluated: 2026-03-24. Review status: reviewed by expert panel. Criteria: ClinGen EpilepsySCN ACMG Specifications SCN3A V2.1.0. Collection method: curation. Allele origin: germline. Inheritance: Autosomal dominant inheritance.
Comment: The c.2443G>A variant in SCN3A is a missense variant predicted to cause substitution of aspartic acid by asparagine at amino acid 815 (p.Asp815Asn). The highest population minor allele frequency in gnomAD v4.1.0 is 0.0001741 (13/74680 alleles) in African/African American population, which is higher than the ClinGen Epilepsy Sodium Channel VCEP threshold (>0.0001) for BA1, and therefore meets this criterion (BA1). Whole-cell voltage-clamp studies in tsA201 cell model showed that Asp815Asn does not exhibit significant differences in current density or voltage dependence of activation or inactivation compared to wildtype cells (PMID: 24157691). The computational predictor REVEL gives a score of 0.860, which is above the threshold of 0.644, evidence that correlates with impact to SCN3A function (PP3_moderate). Although there are both pathogenic and benign types of evidence for this variant, the high frequency of this variant in gnomAD strongly supports a benign classification, and the only evidence in support of pathogenicity is based on a computational predictor that should not override the high population frequency, which precludes this variant from being pathogenic for a rare disease. In summary, this variant meets the criteria to be classified as Benign for autosomal dominant developmental and epileptic encephalopathy based on the ACMG/AMP criteria applied, as specified by the ClinGen Epilepsy Sodium Channel VCEP: BA1. (VCEP specifications version 2.1.0; approved 03/24/2026)

Labcorp Genetics (formerly Invitae), Labcorp
Classification: Uncertain significance. Last evaluated: 2025-05-22. Review status: criteria provided, single submitter. Criteria: Invitae Variant Classification Sherloc (09022015). Collection method: clinical testing. Allele origin: germline. Not counted in ClinVar's aggregate classification.
Comment: This sequence change replaces aspartic acid, which is acidic and polar, with asparagine, which is neutral and polar, at codon 815 of the SCN3A protein (p.Asp815Asn). This variant is present in population databases (rs755440336, gnomAD 0.02%). This missense change has been observed in individual(s) with early-onset focal epilepsy (PMID: 24157694). This variant is also known as D766N. ClinVar contains an entry for this variant (Variation ID: 522564). Invitae Evidence Modeling of protein sequence and biophysical properties (such as structural, functional, and spatial information, amino acid conservation, physicochemical variation, residue mobility, and thermodynamic stability) has been performed for this missense variant. However, the output from this modeling did not meet the statistical confidence thresholds required to predict the impact of this variant on SCN3A protein function. Experimental studies have shown that this missense change affects SCN3A function (PMID: 24157691). In summary, the available evidence is currently insufficient to determine the role of this variant in disease. Therefore, it has been classified as a Variant of Uncertain Significance.

Laboratorio de Genetica e Diagnostico Molecular, Hospital Israelita Albert Einstein
Classification: Uncertain significance. Last evaluated: 2021-02-22. Review status: criteria provided, single submitter. Criteria: ACMG Guidelines, 2015. Collection method: clinical testing. Allele origin: germline. Affected: yes. Not counted in ClinVar's aggregate classification.
Comment: ACMG classification criteria: PS4, PM2, PP3

OMIM
Classification: Pathogenic for EPILEPSY, FAMILIAL FOCAL, WITH VARIABLE FOCI 4. Last evaluated: 2020-09-01. Review status: no assertion criteria provided. Collection method: literature only. Allele origin: germline. Not counted in ClinVar's aggregate classification.

Literature cited by the submitters: PubMed 24157694 (cited by Labcorp Genetics (formerly Invitae), Labcorp); PubMed 24157691 (cited by Labcorp Genetics (formerly Invitae), Labcorp and OMIM); PubMed 29466837 (cited by OMIM).

NM_006922.4(SCN3A):c.2443G>A (p.Asp815Asn)

Gene: SCN3A (sodium voltage-gated channel alpha subunit 3; minus strand). Cytogenetic location: 2q24.3.
Variant type: single nucleotide variant.
Coding change: c.2443G>A on transcript NM_006922.4 (MANE Select); coding-DNA position 2443, G replaced by A.
Protein change: p.Asp815Asn; replaces aspartic acid 815 with asparagine.
Molecular consequence: missense variant.
Genome position (GRCh38, 1-based): chr2:165,131,366, C>T on the plus strand (G>A on the coding strand, the complement: SCN3A is on the minus strand). VCF-style: chr2-165131366-C-T. GRCh37 (hg19) VCF-style: chr2-165987876-C-T.
Other names: NM_006922.4(SCN3A):c.2443G>A; p.Asp815Asn; c.2296G>A, p.Asp766Asn (NM_001081676.2, NM_001081677.2); short protein forms D766N, D815N.
Identifiers: ClinVar variation 522564 (VCV000522564.12), dbSNP rs755440336, ClinGen allele CA1938952.
Genomic context (GRCh38, chr2:165,131,366, plus strand): 5'-TGAGGCTGACAATAATTCCATCAAAGATATTCCAGCCTTCTTGGAAATAGTAATAAGGAT[C>T]CATGGCAATGATCTTGAGAACCATTTCTGCTGTGAAAATCCCAGTAAAGACCTAAAAAAT-3'
Protein context (NP_008853.3, residues 805-825): AEMVLKIIAM[Asp815Asn]PYYYFQEGWN